The following is an entry in ClinVar:

ClinVar aggregate classification (germline): Uncertain significance (1 of 4 stars; one submission).

Submission:

Labcorp Genetics (formerly Invitae), Labcorp
Classification: Uncertain significance. Last evaluated: 2023-11-27. Review status: criteria provided, single submitter. Criteria: Invitae Variant Classification Sherloc (09022015). Collection method: clinical testing. Allele origin: germline.
Comment: This variant, c.5_10del, results in the deletion of 2 amino acid(s) of the CA4 protein (p.Arg2_Met3del), but otherwise preserves the integrity of the reading frame. This variant is not present in population databases (gnomAD no frequency). This variant has been observed in individual(s) with clinical features of inherited retinal dystrophy (Invitae). ClinVar contains an entry for this variant (Variation ID: 1386727). In summary, the available evidence is currently insufficient to determine the role of this variant in disease. Therefore, it has been classified as a Variant of Uncertain Significance.

NM_000717.5(CA4):c.5_10del (p.Arg2_Met3del)

Gene: CA4 (carbonic anhydrase 4; plus strand). Cytogenetic location: 17q23.1.
Variant type: Deletion.
Coding change: c.5_10del on transcript NM_000717.5 (MANE Select); coding-DNA positions 5 to 10, 6 bases deleted (GGATGC; older notation c.5_10delGGATGC).
Protein change: p.Arg2_Met3del.
Molecular consequence: inframe deletion, initiator codon variant. On other transcripts: non-coding transcript variant (1).
Genome position (GRCh38, 1-based): chr17:60,150,039-60,150,044, GGATGC deleted; deleting any 6 consecutive bases within chr17:60,150,034-60,150,044 gives the same sequence; the c. name uses the placement nearest the transcript's 3' end. VCF-style (leftmost placement, unchanged base first): chr17-60150033-AGATGCG-A. GRCh37 (hg19) VCF-style: chr17-58227394-AGATGCG-A.
Identifiers: ClinVar variation 1386727 (VCV001386727.8), dbSNP rs2145245421, ClinGen allele CA2573154442.